The following is an entry in ClinVar:

NM_000069.3(CACNA1S):c.3676G>A (p.Glu1226Lys)

Gene: CACNA1S (calcium voltage-gated channel subunit alpha1 S; minus strand). Cytogenetic location: 1q32.1.
Variant type: single nucleotide variant.
Coding change: c.3676G>A on transcript NM_000069.3 (MANE Select); coding-DNA position 3676, G replaced by A.
Protein change: p.Glu1226Lys; replaces glutamic acid 1226 with lysine.
Molecular consequence: missense variant.
Genome position (GRCh38, 1-based): chr1:201,053,578, C>T on the plus strand (G>A on the coding strand, the complement: CACNA1S is on the minus strand). VCF-style: chr1-201053578-C-T. GRCh37 (hg19) VCF-style: chr1-201022706-C-T.
Other names: short protein forms E1226K.
Identifiers: ClinVar variation 2925056 (VCV002925056.5), dbSNP rs1352459952, ClinGen allele CA344155054.
Genomic context (GRCh38, chr1:201,053,578, plus strand): 5'-GCTTGATCAGCCTCATGACACGGAACAGGCGGAAGAAGGCGCTGGAGATGCGGGCACTCT[C>T]ATCTGGGTCCTGCGGGGCAGCAGCCCCAGAGGTCAGTCTGGGGGCAGAACCTCAGAGGGG-3'
Protein context (NP_000060.2, residues 1216-1236): GGGCGNVDPD[Glu1226Lys]SARISSAFFR

ClinVar aggregate classification (germline): Uncertain significance. Review status: criteria provided, multiple submitters, no conflicts (2 of 4 stars). 2 submissions from 2 submitters: Uncertain significance (2). Last evaluated 2024-04-25.

Conditions:
Malignant hyperthermia, susceptibility to, 5 (MHS5). Also called: CACNA1S-Related Malignant Hyperthermia Susceptibility. Identifiers: Orphanet 423, MedGen C1866077, MONDO:0011163, OMIM 601887.
Hypokalemic periodic paralysis, type 1. Also called: Hypokalemic Periodic Paralysis Type 1 (AD); HypoPP. Identifiers: Orphanet 681, MedGen C3714580, MONDO:0042979, OMIM 170400.

Allele frequency attached by ClinVar (database versions not stated): gnomAD 0.00001; gnomAD exomes 0.00001.

Submissions (2):

All of Us Research Program, National Institutes of Health
Classification: Uncertain significance for Malignant hyperthermia, susceptibility to, 5. Last evaluated: 2024-04-25. Review status: criteria provided, single submitter. Criteria: ACMG Guidelines, 2015. Collection method: clinical testing. Allele origin: germline. Inheritance: Autosomal dominant inheritance. Observed: 5 variant alleles, 5 heterozygotes.
Comment: This missense variant replaces glutamic acid with lysine at codon 1226 of the CACNA1S protein. Computational prediction suggests that this variant may have deleterious impact on protein structure and function (internally defined REVEL score threshold >= 0.7, PMID: 27666373). To our knowledge, functional studies have not been reported for this variant. This variant has not been reported in individuals affected with CACNA1S-related disorders in the literature. This variant has not been identified in the general population by the Genome Aggregation Database (gnomAD). The available evidence is insufficient to determine the role of this variant in disease conclusively. Therefore, this variant is classified as a Variant of Uncertain Significance.

This study involves interpretation of variants in research participants for the purpose of population health screening. Participant phenotype was not available at the time of variant classification. Additional details can be found in publication PMID: 35346344, PMCID: PMC8962531

Labcorp Genetics (formerly Invitae), Labcorp
Classification: Uncertain significance for Hypokalemic periodic paralysis, type 1; Malignant hyperthermia, susceptibility to, 5. Last evaluated: 2023-04-25. Review status: criteria provided, single submitter. Criteria: Invitae Variant Classification Sherloc (09022015). Collection method: clinical testing. Allele origin: germline.
Comment: In summary, the available evidence is currently insufficient to determine the role of this variant in disease. Therefore, it has been classified as a Variant of Uncertain Significance. Advanced modeling of protein sequence and biophysical properties (such as structural, functional, and spatial information, amino acid conservation, physicochemical variation, residue mobility, and thermodynamic stability) performed at Invitae indicates that this missense variant is not expected to disrupt CACNA1S protein function. This variant has not been reported in the literature in individuals affected with CACNA1S-related conditions. This variant is not present in population databases (gnomAD no frequency). This sequence change replaces glutamic acid, which is acidic and polar, with lysine, which is basic and polar, at codon 1226 of the CACNA1S protein (p.Glu1226Lys).